The following is an entry in ClinVar:

ClinVar aggregate classification (germline): Likely benign (1 of 4 stars; one submission).

Conditions:
PEX1-related disorder. Also called: PEX1-related condition.

gnomAD v4.1: 9 of 1,613,898 alleles (0.00056%); highest among the groups gnomAD compares: Admixed American, 0.0017%; no homozygotes.

Submission:

PreventionGenetics, part of Exact Sciences
Classification: Likely benign for PEX1-related condition. Last evaluated: 2026-08-11. Review status: criteria provided, single submitter. Criteria: ACMG Guidelines, 2015. Collection method: clinical testing. Allele origin: germline.
Comment: This variant is classified as likely benign based on ACMG/AMP sequence variant interpretation guidelines (Richards et al. 2015 PMID: 25741868, with internal and published modifications).

NM_000466.3(PEX1):c.2445A>G (p.Gln815=)

Gene: PEX1 (peroxisomal biogenesis factor 1; minus strand). Cytogenetic location: 7q21.2.
Variant type: single nucleotide variant.
Coding change: c.2445A>G on transcript NM_000466.3 (MANE Select); coding-DNA position 2445, A replaced by G.
Protein change: p.Gln815=; no amino-acid change (glutamine 815 retained).
Molecular consequence: synonymous variant.
Genome position (GRCh38, 1-based): chr7:92,501,645, T>C on the plus strand (A>G on the coding strand, the complement: PEX1 is on the minus strand). VCF-style: chr7-92501645-T-C. GRCh37 (hg19) VCF-style: chr7-92130959-T-C.
Other names: c.2274A>G, p.Gln758= (NM_001282677.2); c.1821A>G, p.Gln607= (NM_001282678.2).
Identifiers: ClinVar variation 4983126 (VCV004983126.1).